The following is an entry in ClinVar:

ClinVar aggregate classification (germline): Uncertain significance. Review status: criteria provided, multiple submitters, no conflicts (2 of 4 stars). 4 submissions from 4 submitters: Uncertain significance (4). Last evaluated 2026-01-09.

Conditions:
Cardiovascular phenotype. Identifiers: MedGen CN230736.
Catecholaminergic polymorphic ventricular tachycardia 1. Also called: VENTRICULAR TACHYCARDIA, STRESS-INDUCED POLYMORPHIC 1; VENTRICULAR TACHYCARDIA, CATECHOLAMINERGIC POLYMORPHIC, 1, WITH OR WITHOUT ATRIAL DYSFUNCTION AND/OR DILATED CARDIOMYOPATHY; RYR2-Related Catecholaminergic Polymorphic Ventricular Tachycardia. Identifiers: Orphanet 3286, MedGen C1631597, MONDO:0011484, OMIM 604772.
Catecholaminergic polymorphic ventricular tachycardia (CVPT). Also called: Catecholamine-induced polymorphic ventricular tachycardia. Identifiers: Orphanet 3286, MedGen C5574922, MONDO:0017990.

Allele frequency attached by ClinVar (database versions not stated): gnomAD exomes below 0.00001; TOPMed below 0.00001.
gnomAD v4.1: 2 of 1,613,996 alleles (0.00012%); highest among the groups gnomAD compares: East Asian, 0.0022%; no homozygotes.

Submissions (4):

Ambry Genetics
Classification: Uncertain significance for Cardiovascular phenotype. Last evaluated: 2026-01-09. Review status: criteria provided, single submitter. Criteria: Ambry Variant Classification Scheme 2023. Collection method: clinical testing. Allele origin: germline.

GeneDx
Classification: Uncertain significance. Last evaluated: 2025-06-23. Review status: criteria provided, single submitter. Criteria: GeneDx Variant Classification Process June 2021. Collection method: clinical testing. Allele origin: germline. Affected: yes.
Comment: Not observed at significant frequency in large population cohorts (gnomAD); In silico analysis supports that this missense variant has a deleterious effect on protein structure/function; Has not been previously published as pathogenic or benign to our knowledge; This variant is associated with the following publications: (PMID: 19926015)

Labcorp Genetics (formerly Invitae), Labcorp
Classification: Uncertain significance for Catecholaminergic polymorphic ventricular tachycardia 1. Last evaluated: 2023-09-10. Review status: criteria provided, single submitter. Criteria: Invitae Variant Classification Sherloc (09022015). Collection method: clinical testing. Allele origin: germline.
Comment: In summary, the available evidence is currently insufficient to determine the role of this variant in disease. Therefore, it has been classified as a Variant of Uncertain Significance. Advanced modeling of protein sequence and biophysical properties (such as structural, functional, and spatial information, amino acid conservation, physicochemical variation, residue mobility, and thermodynamic stability) performed at Invitae indicates that this missense variant is expected to disrupt RYR2 protein function. This variant has not been reported in the literature in individuals affected with RYR2-related conditions. This variant is not present in population databases (gnomAD no frequency). This sequence change replaces serine, which is neutral and polar, with cysteine, which is neutral and slightly polar, at codon 667 of the RYR2 protein (p.Ser667Cys).

All of Us Research Program, National Institutes of Health
Classification: Uncertain significance for Catecholaminergic polymorphic ventricular tachycardia. Last evaluated: 2023-06-26. Review status: criteria provided, single submitter. Criteria: ACMG Guidelines, 2015. Collection method: clinical testing. Allele origin: germline. Inheritance: Autosomal dominant inheritance. Observed: 1 variant allele, 1 heterozygote.
Comment: This missense variant replaces serine with cysteine at codon 667 of the RYR2 protein. Computational prediction suggests that this variant may have deleterious impact on protein structure and function (internally defined REVEL score threshold >= 0.7, PMID: 27666373). To our knowledge, functional studies have not been reported for this variant. This variant has not been reported in individuals affected with RYR2-related disorders in the literature. This variant has not been identified in the general population by the Genome Aggregation Database (gnomAD). The available evidence is insufficient to determine the role of this variant in disease conclusively. Therefore, this variant is classified as a Variant of Uncertain Significance.

This study involves interpretation of variants in research participants for the purpose of population health screening. Participant phenotype was not available at the time of variant classification. Additional details can be found in publication PMID: 35346344, PMCID: PMC8962531

NM_001035.3(RYR2):c.2000C>G (p.Ser667Cys)

Gene: RYR2 (ryanodine receptor 2; plus strand). Cytogenetic location: 1q43.
Variant type: single nucleotide variant.
Coding change: c.2000C>G on transcript NM_001035.3 (MANE Select); coding-DNA position 2000, C replaced by G.
Protein change: p.Ser667Cys; replaces serine 667 with cysteine.
Molecular consequence: missense variant.
Genome position (GRCh38, 1-based): chr1:237,496,549, C>G. VCF-style: chr1-237496549-C-G. GRCh37 (hg19) VCF-style: chr1-237659849-C-G.
Other names: c.2000C>G (NM_001035.2); short protein forms S667C.
Identifiers: ClinVar variation 2732832 (VCV002732832.6), dbSNP rs1664094998, ClinGen allele CA345391169.
Genomic context (GRCh38, chr1:237,496,549, plus strand): 5'-TGTGATTCCCGTCTCTTTAAAGCATGAGACCCAATATTTTTCTGGGCGTCAGTGAAGGTT[C>G]TGCTCAGTATAAGAAATGGTACTATGAATTGATGGTGGACCACACAGAGCCCTTTGTGAC-3'
Protein context (NP_001026.2, residues 657-677): PNIFLGVSEG[Ser667Cys]AQYKKWYYEL